The following is an entry in ClinVar:

NM_000322.5(PRPH2):c.659G>A (p.Arg220Gln)

Gene: PRPH2 (peripherin 2; minus strand). Cytogenetic location: 6p21.1.
Variant type: single nucleotide variant.
Coding change: c.659G>A on transcript NM_000322.5 (MANE Select); coding-DNA position 659, G replaced by A.
Protein change: p.Arg220Gln; replaces arginine 220 with glutamine.
Molecular consequence: missense variant.
Genome position (GRCh38, 1-based): chr6:42,704,534, C>T on the plus strand (G>A on the coding strand, the complement: PRPH2 is on the minus strand). VCF-style: chr6-42704534-C-T. GRCh37 (hg19) VCF-style: chr6-42672272-C-T.
Other names: short protein forms R220Q.
Identifiers: ClinVar variation 98699 (VCV000098699.22), dbSNP rs61755810, ClinGen allele CA226293.
Genomic context (GRCh38, chr6:42,704,534, plus strand): 5'-GTCTGGTGGTCGTAACTGTAGTGTGCTGAGTTGTTGGTGATCTGATACTGGATGCAGGGC[C>T]GTGGCGAGCTAGGATTGCAGCAGCTGAAAGGGACGCCGTCCACCAGGTACCGCCCATCCA-3'
Protein context (NP_000313.2, residues 210-230): PFSCCNPSSP[Arg220Gln]PCIQYQITNN

ClinVar aggregate classification (germline): Pathogenic/Likely pathogenic. Review status: criteria provided, multiple submitters, no conflicts (2 of 4 stars). 10 submissions from 10 submitters: Pathogenic (4); Likely pathogenic (3). 3 of the submissions do not count toward it. Last evaluated 2026-10-26.

Conditions:
Macular dystrophy. Identifiers: MedGen C0730292, HP:0007754.
PRPH2-related disorder. Also called: PRPH2-related disorders; PRPH2-related condition. Identifiers: MedGen CN239395.
Retinal dystrophy. Also called: Inherited retinal dystrophy. Identifiers: Orphanet 71862, MedGen C0854723, MeSH D058499, MONDO:0019118, HP:0000556.
Retinitis pigmentosa (RP). Identifiers: Orphanet 791, MedGen C0035334, MeSH D012174, MONDO:0019200, OMIM 268000. Inheritance: Autosomal dominant, autosomal recessive and X linked inheritance.
Retinal disorder. Also called: Retinal disorders; Retinopathies; Retinal Diseases; Retinopathy. Identifiers: MedGen C0035309, MONDO:0005283, HP:0000488.

Allele frequency attached by ClinVar (database versions not stated): TOPMed 0.00001; gnomAD exomes 0.00001; ExAC 0.00001; gnomAD 0.00001.

Submissions (10):

GeneDx
Classification: Likely pathogenic. Last evaluated: 2026-10-26. Review status: criteria provided, single submitter. Criteria: GeneDx Variant Classification Process June 2021. Collection method: clinical testing. Allele origin: germline.
Comment: Observed in homozygous state in a patient in published literature with pediatric-onset cone-rod dystrophy and not observed in homozygous state in controls. Heterozygous parents had macular abnormalities. (PMID: 30822235); Observed in multiple unrelated patients from different ethnic backgrounds with PRPH2-related disorders referred for genetic testing at GeneDx and in published literature and not observed at a significant frequency in controls (PMID: 41009962, 24629188, 8994365, 8956033); This variant may affect splicing efficiency leading to increased expression in cone cells, though the functional significance of this is unclear (PMID: 26796962); In silico analysis supports that this missense variant has a deleterious effect on protein structure/function; This variant is associated with the following publications: (PMID: 34411390, 34240658, 8956033, 8675410, 31456290, 36393903, 38743414, 8994365, 40880019, 24629188, 41009962, 26796962, 36648066, 30822235, 40583641)

Genetics Laboratory, Great Ormond Street Hospital NHS Foundation Trust, North Thames Genomic Laboratory Hub
Classification: Likely pathogenic for Retinal disorders. Last evaluated: 2026-01-15. Review status: criteria provided, single submitter. Criteria: ACGS Best Practice Guidelines for Variant Classification in Rare Disease 2024 v1.2. Collection method: clinical testing. Allele origin: germline. Affected: yes.
Comment: PS4_moderate, PM2_moderate, PP3_supporting, PS3_supporting

Labcorp Genetics (formerly Invitae), Labcorp
Classification: Pathogenic for PRPH2-related disorder. Last evaluated: 2025-10-03. Review status: criteria provided, single submitter. Criteria: Invitae Variant Classification Sherloc (09022015). Collection method: clinical testing. Allele origin: germline.
Comment: This sequence change replaces arginine, which is basic and polar, with glutamine, which is neutral and polar, at codon 220 of the PRPH2 protein (p.Arg220Gln). This variant is present in population databases (rs61755810, gnomAD 0.004%). This missense change has been observed in individuals with PRPH2-related conditions (PMID: 8994365, 30822235). ClinVar contains an entry for this variant (Variation ID: 98699). Invitae Evidence Modeling of protein sequence and biophysical properties (such as structural, functional, and spatial information, amino acid conservation, physicochemical variation, residue mobility, and thermodynamic stability) indicates that this missense variant is expected to disrupt PRPH2 protein function with a positive predictive value of 95%. Experimental studies have shown that this missense change affects PRPH2 function (PMID: 26796962). This variant disrupts the p.Arg220 amino acid residue in PRPH2. Other variant(s) that disrupt this residue have been determined to be pathogenic (PMID: 9443872, 16916875, 17653047; 29555955.). This suggests that this residue is clinically significant, and that variants that disrupt this residue are likely to be disease-causing. For these reasons, this variant has been classified as Pathogenic.

North West Genomic Laboratory Hub, Manchester University NHS Foundation Trust
Classification: Likely pathogenic for Retinal disorders. Last evaluated: 2025-05-09. Review status: criteria provided, single submitter. Criteria: ACGS Best Practice Guidelines for Variant Classification in Rare Disease 2024. Collection method: clinical testing. Allele origin: germline. Affected: yes.
Comment: PS4_Mod PM2_Mod PM5_Mod PM1_Mod PP3_Supp

Dubai Health Genomic Medicine Center, Dubai Health
Classification: Pathogenic for Macular dystrophy. Last evaluated: 2024-10-04. Review status: criteria provided, single submitter. Criteria: ACMG Guidelines, 2015. Collection method: research. Allele origin: germline. Affected: yes.
Comment: PS3,PS4,PM2,PM5,PP3,PM1

Blueprint Genetics
Classification: Pathogenic for PRPH2-related disorders. Last evaluated: 2024-05-28. Review status: criteria provided, single submitter. Criteria: ACMG Guidelines, 2015. Collection method: clinical testing. Allele origin: germline. Affected: yes. Observed: 5 variant alleles.

Institute of Human Genetics, Univ. Regensburg, Univ. Regensburg
Classification: Pathogenic for Retinal dystrophy. Last evaluated: 2017-01-01. Review status: criteria provided, single submitter. Criteria: ACMG Guidelines, 2015. Collection method: clinical testing. Allele origin: germline. Affected: yes.

Leiden Open Variation Database
Classification: Pathogenic. Last evaluated: 2021-04-06. Review status: no assertion criteria provided. Collection method: curation. Allele origin: germline. Affected: yes. Not counted in ClinVar's aggregate classification.
Comment: Curator: Global Variome, with Curator vacancy. Submitters to LOVD: Global Variome, with Curator vacancy, LOVD, Manon Peeters.

Sharon lab, Hadassah-Hebrew University Medical Center
Classification: Likely pathogenic for Retinitis pigmentosa. Last evaluated: 2019-06-23. Review status: no assertion criteria provided. Collection method: research. Allele origin: inherited. Affected: yes. Not counted in ClinVar's aggregate classification.

Retina International
No classification provided. Review status: no classification provided. Collection method: not provided. Allele origin: not provided. Not counted in ClinVar's aggregate classification.

Literature cited by the submitters: PubMed 8994365 (cited by Labcorp Genetics (formerly Invitae), Labcorp and Leiden Open Variation Database); PubMed 30822235 (cited by 3 submitters); PubMed 26796962 (cited by Labcorp Genetics (formerly Invitae), Labcorp and Institute of Human Genetics, Univ. Regensburg, Univ. Regensburg); PubMed 9443872 (cited by Labcorp Genetics (formerly Invitae), Labcorp); PubMed 16916875 (cited by Labcorp Genetics (formerly Invitae), Labcorp); PubMed 17653047 (cited by Labcorp Genetics (formerly Invitae), Labcorp); PubMed 29555955 (cited by Labcorp Genetics (formerly Invitae), Labcorp); PubMed 31456290 (cited by Institute of Human Genetics, Univ. Regensburg, Univ. Regensburg and Leiden Open Variation Database); PubMed 34411390 (cited by Institute of Human Genetics, Univ. Regensburg, Univ. Regensburg); PubMed 34240658 (cited by Institute of Human Genetics, Univ. Regensburg, Univ. Regensburg); PubMed 27208204 (cited by Leiden Open Variation Database).